The following is an entry in ClinVar:

NC_000004.12:g.3074878_3074940AGC[16]AAC[1]AGC[1]AAC[1]AGC[1]

Genes: HTT (huntingtin; plus strand), LOC109461479 (huntingtin repeat instability region; plus strand), LOC129929027 (ATAC-STARR-seq lymphoblastoid silent region 15199; plus strand). Cytogenetic location: 4p16.3.
Variant type: Indel.
Molecular consequence: frameshift variant (on NM_001388492.1). On other transcripts: inframe deletion (1).
Genome position: GRCh38 VCF-style: chr4-3074927-GCAG-A. GRCh37 (hg19) VCF-style: chr4-3076654-GCAG-A.
Other names: c.108_109del, p.Gln37fs (NM_001388492.1); c.108_111delinsA, p.Gln40del (NM_002111.8); short protein forms Q37fs, Q40del.
Identifiers: ClinVar variation 5042746 (VCV005042746.1).

ClinVar aggregate classification (germline): Benign (1 of 4 stars; one submission).

Conditions:
Huntington disease (HD). Also called: Huntington's chorea; Huntington's disease; HUNTINGTON CHOREA. Identifiers: Orphanet 248111, Orphanet 399, MedGen C0020179, MONDO:0007739, OMIM 143100.

Submission:

Department Of Human Genetics, Institute Of Clinical And Translational Research, Biomedical Research Center, Slovak Academy Of Sciences
Classification: Benign for Huntington disease. Last evaluated: 2026-09-23. Review status: criteria provided, single submitter. Criteria: ACMG Guidelines for Huntington disease, 2014. Collection method: research. Allele origin: germline. Inheritance: Autosomal dominant inheritance.
Comment: The NC_000004.12.g.3074878_3074940AGC[16]AAC[1]AGC[1]AAC[1]AGC[1] allele represents a complex trinucleotide repeat sequence in the HTT (huntingtin) gene. The repeat tract consists of 16 consecutive AGC repeats, interspersed with two single AAC repeats and two additional single AGC repeats. This sequence corresponds to 16 uninterrupted glutamine-encoding units or 20 interrupted glutamine-encoding repeat units (this count the AAC interruption and the additional AGC to the total number of repeats on the DNA level, while all resulting in glutamine residues at the protein level). Huntington disease (HD) is an autosomal dominant neurodegenerative disorder caused by an expansion of the CAG trinucleotide repeat in exon 1 of the HTT gene. HTT alleles containing 26 or fewer CAG repeats are considered within the normal range, whereas alleles containing 27–35 repeats are classified as intermediate/premutation, 36-39 repeats as reduced-penetrance pathogenic alleles, and 40 or more repeats as full-penetrance pathogenic alleles. This allele falls into the benign range both when considering the 16 uninterrupted as well as the 20 interrupted glutamine-encoding repeats.The allele reached 0.16% frequency in the general population of Slovakia (in 609 genotyped alleles).